The following is an entry in ClinVar:

NM_001303256.3(MORC2):c.158-3C>T

Gene: MORC2 (MORC family CW-type zinc finger 2; minus strand). Cytogenetic location: 22q12.2.
Variant type: single nucleotide variant.
Coding change: c.158-3C>T on transcript NM_001303256.3 (MANE Select); 3 bases into the intron before coding-DNA position 158, C replaced by T.
Molecular consequence: intron variant.
Genome position (GRCh38, 1-based): chr22:30,950,448, G>A on the plus strand (C>T on the coding strand, the complement: MORC2 is on the minus strand). VCF-style: chr22-30950448-G-A. GRCh37 (hg19) VCF-style: chr22-31346434-G-A.
Other names: c.158-3C>T (NM_001303257.2); c.-29-3C>T (NM_014941.3).
Identifiers: ClinVar variation 1438248 (VCV001438248.6), dbSNP rs776368889, ClinGen allele CA10187358.

ClinVar aggregate classification (germline): Uncertain significance (1 of 4 stars; one submission).

Conditions:
Charcot-Marie-Tooth disease axonal type 2Z. Also called: CHARCOT-MARIE-TOOTH DISEASE, AXONAL, AUTOSOMAL DOMINANT, TYPE 2Z; CHARCOT-MARIE-TOOTH NEUROPATHY, TYPE 2Z. Identifiers: Orphanet 466768, MedGen C5569025, MONDO:0014736, OMIM 616688.

Allele frequency attached by ClinVar (database versions not stated): gnomAD 0.00001; gnomAD exomes 0.00001 and 0.00003; ExAC 0.00003.
gnomAD v4.1: 19 of 1,604,376 alleles (0.0012%); highest among the groups gnomAD compares: South Asian, 0.015%; no homozygotes.

Submission:

Labcorp Genetics (formerly Invitae), Labcorp
Classification: Uncertain significance for Charcot-Marie-Tooth disease axonal type 2Z. Last evaluated: 2021-07-17. Review status: criteria provided, single submitter. Criteria: Invitae Variant Classification Sherloc (09022015). Collection method: clinical testing. Allele origin: germline.
Comment: In summary, the available evidence is currently insufficient to determine the role of this variant in disease. Therefore, it has been classified as a Variant of Uncertain Significance. Nucleotide substitutions within the consensus splice site are a relatively common cause of aberrant splicing (PMID: 17576681, 9536098). Experimental studies and prediction algorithms are not available or were not evaluated, and the effect of this variant on mRNA splicing is currently unknown. This variant has not been reported in the literature in individuals affected with MORC2-related conditions. This variant is present in population databases (rs776368889, ExAC 0.02%). This sequence change falls in intron 3 of the MORC2 gene. It does not directly change the encoded amino acid sequence of the MORC2 protein. It affects a nucleotide within the consensus splice site of the intron.

Literature cited by the submitters: PubMed 17576681; PubMed 9536098.